The following is an entry in ClinVar:

ClinVar aggregate classification (germline): Uncertain significance (1 of 4 stars; one submission).

Allele frequency attached by ClinVar (database versions not stated): ExAC 0.00002; TOPMed 0.00002; gnomAD 0.00003; gnomAD exomes 0.00003; ESP Exome Variant Server 0.00008.
gnomAD v4.1: 49 of 1,613,444 alleles (0.003%); highest among the groups gnomAD compares: Non-Finnish European, 0.0041%; no homozygotes.

Submission:

Labcorp Genetics (formerly Invitae), Labcorp
Classification: Uncertain significance. Last evaluated: 2022-05-31. Review status: criteria provided, single submitter. Criteria: Invitae Variant Classification Sherloc (09022015). Collection method: clinical testing. Allele origin: germline.
Comment: This sequence change replaces serine, which is neutral and polar, with alanine, which is neutral and non-polar, at codon 139 of the PIGP protein (p.Ser139Ala). This variant is present in population databases (rs369586193, gnomAD 0.004%). This variant has not been reported in the literature in individuals affected with PIGP-related conditions. Algorithms developed to predict the effect of missense changes on protein structure and function (SIFT, PolyPhen-2, Align-GVGD) all suggest that this variant is likely to be tolerated. In summary, the available evidence is currently insufficient to determine the role of this variant in disease. Therefore, it has been classified as a Variant of Uncertain Significance.

NM_153682.3(PIGP):c.343T>G (p.Ser115Ala)

Gene: PIGP (phosphatidylinositol glycan anchor biosynthesis class P; minus strand). Cytogenetic location: 21q22.13.
Variant type: single nucleotide variant.
Coding change: c.343T>G on transcript NM_153682.3 (MANE Select); coding-DNA position 343, T replaced by G.
Protein change: p.Ser115Ala; replaces serine 115 with alanine.
Molecular consequence: missense variant.
Genome position (GRCh38, 1-based): chr21:37,065,644, A>C on the plus strand (T>G on the coding strand, the complement: PIGP is on the minus strand). VCF-style: chr21-37065644-A-C. GRCh37 (hg19) VCF-style: chr21-38437944-A-C.
Other names: c.343T>G, p.Ser115Ala (NM_001320480.2); c.265T>G, p.Ser89Ala (NM_016430.4); c.415T>G, p.Ser139Ala (NM_153681.2); short protein forms S139A, S115A, S89A.
Identifiers: ClinVar variation 2173154 (VCV002173154.1), dbSNP rs369586193, ClinGen allele CA10021027.
Genomic context (GRCh38, chr21:37,065,644, plus strand): 5'-AGTTTTTGGTGTAAAGTTCTTTGGCTGCAAGAAAGAACATTTGGTTTACTTCACTAATAG[A>C]AATATCTCTTAAGGCTGGAATGGCCTCCTCTTGGTATTTCTTCTGCTGTTGATTTTTTGC-3'
Protein context (NP_710149.1, residues 105-125): EEAIPALRDI[Ser115Ala]ISEVNQMFFL